The following is an entry in ClinVar:

NM_003000.3(SDHB):c.466del (p.Tyr156fs)

Gene: SDHB (succinate dehydrogenase complex iron sulfur subunit B; minus strand). Cytogenetic location: 1p36.13.
Variant type: Deletion.
Coding change: c.466del on transcript NM_003000.3 (MANE Select); coding-DNA position 466, one base deleted (T; older notation c.466delT).
Protein change: p.Tyr156fs; shifts the reading frame from tyrosine 156.
Molecular consequence: frameshift variant.
Genome position (GRCh38, 1-based): chr1:17,027,823, A deleted on the plus strand (T on the coding strand, the reverse complement: SDHB is on the minus strand); the first of 2 consecutive A bases (chr1:17,027,823-17,027,824); deleting either gives the same sequence. VCF-style (leftmost placement, unchanged base first): chr1-17027822-TA-T. GRCh37 (hg19) VCF-style: chr1-17354317-TA-T.
Other names: short protein forms Y156fs.
Identifiers: ClinVar variation 1070347 (VCV001070347.5), dbSNP rs2101521760, ClinGen allele CA2499214301.

ClinVar aggregate classification (germline): Pathogenic (1 of 4 stars; one submission).

Conditions:
Pheochromocytoma. Also called: MAX-Related Hereditary Paraganglioma-Pheochromocytoma Syndrome. Identifiers: Orphanet 29072, MedGen C0031511, MONDO:0008233, OMIM 171300, HP:0002666.
Gastrointestinal stromal tumor. Also called: Gastrointestinal stromal tumor, somatic; Gastrointestinal stroma tumor. Identifiers: Orphanet 44890, MedGen C0238198, MeSH D046152, MONDO:0011719, OMIM 606764, HP:0100723.
Pheochromocytoma/paraganglioma syndrome 4. Also called: CAROTID BODY TUMORS AND MULTIPLE EXTRAADRENAL PHEOCHROMOCYTOMAS; SDHB-Related Hereditary Paraganglioma-Pheochromocytoma Syndrome (Paragangliomas 4); Paragangliomas 4; SDHB-Related Hereditary Paraganglioma-Pheochromocytoma Syndrome; PARAGANGLIOMA, FAMILIAL MALIGNANT; PARAGANGLIOMAS, HEREDITARY EXTRAADRENAL. Identifiers: Orphanet 29072, MedGen C1861848, MONDO:0007273, OMIM 115310.

Submission:

Labcorp Genetics (formerly Invitae), Labcorp
Classification: Pathogenic for Gastrointestinal stromal tumor; Pheochromocytoma/paraganglioma syndrome 4; Pheochromocytoma. Last evaluated: 2020-04-18. Review status: criteria provided, single submitter. Criteria: Invitae Variant Classification Sherloc (09022015). Collection method: clinical testing. Allele origin: germline.
Comment: Loss-of-function variants in SDHB are known to be pathogenic (PMID: 19454582, 19802898). For these reasons, this variant has been classified as Pathogenic. This variant has not been reported in the literature in individuals with SDHB-related conditions. This variant is not present in population databases (ExAC no frequency). This sequence change creates a premature translational stop signal (p.Tyr156Ilefs*2) in the SDHB gene. It is expected to result in an absent or disrupted protein product.

Literature cited by the submitters: PubMed 19454582; PubMed 19802898.